The following is an entry in ClinVar:

ClinVar aggregate classification (germline): Benign/Likely benign. Review status: criteria provided, multiple submitters, no conflicts (2 of 4 stars). 6 submissions from 6 submitters: Benign (1); Likely benign (4). 1 of the submissions does not count toward it. Last evaluated 2024-11-18.

Conditions:
FOXL2-related disorder. Also called: FOXL2-related condition.

Allele frequency attached by ClinVar (database versions not stated): ESP Exome Variant Server 0.00038; gnomAD exomes 0.00045 and 0.00054; gnomAD 0.00047 and 0.00054; TOPMed 0.00051; ExAC 0.00053.

Submissions (6):

Blueprint Genetics
Classification: Likely benign. Last evaluated: 2024-11-18. Review status: criteria provided, single submitter. Criteria: ACMG Guidelines, 2015. Collection method: clinical testing. Allele origin: germline.

Labcorp Genetics (formerly Invitae), Labcorp
Classification: Benign. Last evaluated: 2024-11-03. Review status: criteria provided, single submitter. Criteria: Invitae Variant Classification Sherloc (09022015). Collection method: clinical testing. Allele origin: germline.

CeGaT Center for Human Genetics Tuebingen
Classification: Likely benign. Last evaluated: 2022-12-01. Review status: criteria provided, single submitter. Criteria: CeGaT Center For Human Genetics Tuebingen Variant Classification Criteria Version 2. Collection method: clinical testing. Allele origin: germline. Affected: yes. Observed: 1 variant allele.
Comment: FOXL2: BP4, BP7

Genetic Services Laboratory, University of Chicago
Classification: Likely benign. Last evaluated: 2017-06-05. Review status: criteria provided, single submitter. Criteria: ACMG Guidelines, 2015. Collection method: clinical testing. Allele origin: germline. Affected: no.

Breakthrough Genomics
Classification: Likely benign. Review status: criteria provided, single submitter. Criteria: ACMG Guidelines, 2015. Collection method: not provided. Allele origin: germline. Inheritance: Autosomal dominant inheritance. Affected: yes.

PreventionGenetics, part of Exact Sciences
Classification: Likely benign for FOXL2-related condition. Last evaluated: 2019-03-28. Review status: no assertion criteria provided. Collection method: clinical testing. Allele origin: germline. Not counted in ClinVar's aggregate classification.
Comment: This variant is classified as likely benign based on ACMG/AMP sequence variant interpretation guidelines (Richards et al. 2015 PMID: 25741868, with internal and published modifications).

NM_023067.4(FOXL2):c.1071T>C (p.His357=)

Gene: FOXL2 (forkhead box L2; minus strand). Cytogenetic location: 3q22.3.
Variant type: single nucleotide variant.
Coding change: c.1071T>C on transcript NM_023067.4 (MANE Select); coding-DNA position 1071, T replaced by C.
Protein change: p.His357=; no amino-acid change (histidine 357 retained).
Molecular consequence: synonymous variant.
Genome position (GRCh38, 1-based): chr3:138,945,652, A>G on the plus strand (T>C on the coding strand, the complement: FOXL2 is on the minus strand). VCF-style: chr3-138945652-A-G. GRCh37 (hg19) VCF-style: chr3-138664494-A-G.
Identifiers: ClinVar variation 435242 (VCV000435242.42), dbSNP rs146709691, ClinGen allele CA2639688.